The following is an entry in ClinVar:

NM_001347995.2(ENTREP1):c.1188C>T (p.Ala396=)

Gene: ENTREP1 (endosomal transmembrane epsin interactor 1; plus strand). Cytogenetic location: 9q21.12.
Variant type: single nucleotide variant.
Coding change: c.1188C>T on transcript NM_001347995.2 (MANE Select); coding-DNA position 1188, C replaced by T.
Protein change: p.Ala396=; no amino-acid change (alanine 396 retained).
Molecular consequence: synonymous variant. On other transcripts: non-coding transcript variant (1).
Genome position (GRCh38, 1-based): chr9:69,385,820, C>T. VCF-style: chr9-69385820-C-T. GRCh37 (hg19) VCF-style: chr9-72000736-C-T.
Other names: c.729C>T, p.Ala243= (NM_001127608.3, NM_004816.5).
Identifiers: ClinVar variation 514991 (VCV000514991.2), dbSNP rs531379531, ClinGen allele CA5074403.

ClinVar aggregate classification (germline): Likely benign (1 of 4 stars; one submission).

Allele frequency attached by ClinVar (database versions not stated): gnomAD exomes 0.00004; gnomAD 0.00005 and 0.00006; ExAC 0.00006; TOPMed 0.00008; 1000 Genomes Project 30x 0.00016; 1000 Genomes Project 0.00020.
gnomAD v4.1: 34 of 1,571,760 alleles (0.0022%); highest among the groups gnomAD compares: East Asian, 0.019%; no homozygotes.

Submission:

GeneDx
Classification: Likely benign. Last evaluated: 2018-01-26. Review status: criteria provided, single submitter. Criteria: GeneDx Variant Classification (06012015). Collection method: clinical testing. Allele origin: germline. Affected: yes.
Comment: This variant is considered likely benign or benign based on one or more of the following criteria: it is a conservative change, it occurs at a poorly conserved position in the protein, it is predicted to be benign by multiple in silico algorithms, and/or has population frequency not consistent with disease.